The following is an entry in ClinVar:

ClinVar aggregate classification (germline): Uncertain significance. Review status: criteria provided, multiple submitters, no conflicts (2 of 4 stars). 3 submissions from 3 submitters: Uncertain significance (3). Last evaluated 2022-07-19.

Conditions:
Fanconi anemia complementation group E (FANCE). Also called: FANCE-Related Fanconi Anemia. Identifiers: Orphanet 84, MedGen C3160739, MONDO:0010953, OMIM 600901.

Allele frequency attached by ClinVar (database versions not stated): gnomAD exomes 0.00002 and 0.00011; ExAC 0.00003; TOPMed 0.00005; gnomAD 0.00006.
gnomAD v4.1: 167 of 1,612,702 alleles (0.01%); highest among the groups gnomAD compares: Non-Finnish European, 0.014%; 1 homozygote.

Submissions (3):

Labcorp Genetics (formerly Invitae), Labcorp
Classification: Uncertain significance for Fanconi anemia complementation group E. Last evaluated: 2022-07-19. Review status: criteria provided, single submitter. Criteria: Invitae Variant Classification Sherloc (09022015). Collection method: clinical testing. Allele origin: germline.
Comment: This sequence change replaces glycine, which is neutral and non-polar, with aspartic acid, which is acidic and polar, at codon 175 of the FANCE protein (p.Gly175Asp). This variant is present in population databases (rs765538271, gnomAD 0.006%). This variant has not been reported in the literature in individuals affected with FANCE-related conditions. ClinVar contains an entry for this variant (Variation ID: 1319660). Algorithms developed to predict the effect of missense changes on protein structure and function are either unavailable or do not agree on the potential impact of this missense change (SIFT: "Deleterious"; PolyPhen-2: "Benign"; Align-GVGD: "Class C0"). In summary, the available evidence is currently insufficient to determine the role of this variant in disease. Therefore, it has been classified as a Variant of Uncertain Significance.

Fulgent Genetics
Classification: Uncertain significance for Fanconi anemia complementation group E. Last evaluated: 2022-05-17. Review status: criteria provided, single submitter. Criteria: ACMG Guidelines, 2015. Collection method: clinical testing. Allele origin: unknown.

Institute for Clinical Genetics, University Hospital TU Dresden, University Hospital TU Dresden
Classification: Uncertain significance. Last evaluated: 2021-11-03. Review status: criteria provided, single submitter. Criteria: ACMG Guidelines, 2015. Collection method: clinical testing. Allele origin: germline.

NM_021922.3(FANCE):c.524G>A (p.Gly175Asp)

Gene: FANCE (FA complementation group E; plus strand). Cytogenetic location: 6p21.31.
Variant type: single nucleotide variant.
Coding change: c.524G>A on transcript NM_021922.3 (MANE Select); coding-DNA position 524, G replaced by A.
Protein change: p.Gly175Asp; replaces glycine 175 with aspartic acid.
Molecular consequence: missense variant.
Genome position (GRCh38, 1-based): chr6:35,456,022, G>A. VCF-style: chr6-35456022-G-A. GRCh37 (hg19) VCF-style: chr6-35423799-G-A.
Other names: short protein forms G175D.
Identifiers: ClinVar variation 1319660 (VCV001319660.6), dbSNP rs765538271, ClinGen allele CA3771429.